The following is an entry in ClinVar:

NM_006231.4(POLE):c.5566T>G (p.Phe1856Val)

Gene: POLE (DNA polymerase epsilon, catalytic subunit; minus strand). Cytogenetic location: 12q24.33.
Variant type: single nucleotide variant.
Coding change: c.5566T>G on transcript NM_006231.4 (MANE Select); coding-DNA position 5566, T replaced by G.
Protein change: p.Phe1856Val; replaces phenylalanine 1856 with valine.
Molecular consequence: missense variant.
Genome position (GRCh38, 1-based): chr12:132,638,126, A>C on the plus strand (T>G on the coding strand, the complement: POLE is on the minus strand). VCF-style: chr12-132638126-A-C. GRCh37 (hg19) VCF-style: chr12-133214712-A-C.
Other names: short protein forms F1856V.
Identifiers: ClinVar variation 1063404 (VCV001063404.9), dbSNP rs1060500846, ClinGen allele CA387374192.
Genomic context (GRCh38, chr12:132,638,126, plus strand): 5'-TTGTACAGAGGATGATGCGGTTGAAGTTGGCGTAGATGACTGATGACCCCAGGCGCTTGA[A>C]CTCAGCGATGAGCCTGTGGAGCAAGTTGAGAGTCCGTGGTGGAGACGCCACAGTCATGGA-3'
Protein context (NP_006222.2, residues 1846-1866): KKLFLQLIAE[Phe1856Val]KRLGSSVIYA

ClinVar aggregate classification (germline): Uncertain significance (1 of 4 stars; one submission).

gnomAD v4.1: 1 of 1,613,462 alleles (0.000062%); highest among the groups gnomAD compares: African/African-American, 0.0013%; no homozygotes.

Submission:

Labcorp Genetics (formerly Invitae), Labcorp
Classification: Uncertain significance. Last evaluated: 2023-10-29. Review status: criteria provided, single submitter. Criteria: Invitae Variant Classification Sherloc (09022015). Collection method: clinical testing. Allele origin: germline.
Comment: This sequence change replaces phenylalanine, which is neutral and non-polar, with valine, which is neutral and non-polar, at codon 1856 of the POLE protein (p.Phe1856Val). This variant is not present in population databases (gnomAD no frequency). This variant has not been reported in the literature in individuals affected with POLE-related conditions. ClinVar contains an entry for this variant (Variation ID: 1063404). Advanced modeling of protein sequence and biophysical properties (such as structural, functional, and spatial information, amino acid conservation, physicochemical variation, residue mobility, and thermodynamic stability) performed at Invitae indicates that this missense variant is not expected to disrupt POLE protein function with a negative predictive value of 80%. In summary, the available evidence is currently insufficient to determine the role of this variant in disease. Therefore, it has been classified as a Variant of Uncertain Significance.